The following is an entry in ClinVar:

ClinVar aggregate classification (germline): Uncertain significance (1 of 4 stars; one submission).

Conditions:
GNAS-related disorder. Identifiers: MedGen CN380105.

gnomAD v4.1: 3 of 1,570,608 alleles (0.00019%); highest among the groups gnomAD compares: East Asian, 0.0047%; no homozygotes.

Submission:

PreventionGenetics, part of Exact Sciences
Classification: Uncertain significance for GNAS-related condition. Last evaluated: 2026-05-12. Review status: criteria provided, single submitter. Criteria: ACMG Guidelines, 2015. Collection method: clinical testing. Allele origin: germline.
Comment: The GNAS c.1288G>A variant is predicted to result in the amino acid substitution p.Asp430Asn. Of note, in the more commonly reported transcript (NM_000516.5) this variant is pre-coding (c.-37174G>A). To our knowledge, this variant has not been reported in the literature. This variant is reported in 0.0040% of alleles in individuals of South Asian descent in gnomAD. At this time, the clinical significance of this variant is uncertain due to the absence of conclusive functional and genetic evidence.

NM_080425.4(GNAS):c.1288G>A (p.Asp430Asn)

Gene: GNAS (GNAS complex locus; plus strand). Cytogenetic location: 20q13.32.
Variant type: single nucleotide variant.
Coding change: c.1288G>A on transcript NM_080425.4 (MANE Plus Clinical); coding-DNA position 1288, G replaced by A.
Protein change: p.Asp430Asn; replaces aspartic acid 430 with asparagine.
Molecular consequence: missense variant. On other transcripts: synonymous variant (2), intron variant (3).
Genome position (GRCh38, 1-based): chr20:58,854,553, G>A. VCF-style: chr20-58854553-G-A. GRCh37 (hg19) VCF-style: chr20-57429608-G-A.
Other names: c.1101G>A, p.Pro367= (NM_001077490.3, NM_001309883.1); c.1288G>A, p.Asp430Asn (NM_001410913.1); c.*42+13667G>A (NM_016592.5); c.43+13667G>A (NM_001410912.1); c.-39+12678G>A (NM_001309861.2); short protein forms D430N.
Identifiers: ClinVar variation 5000774 (VCV005000774.1).